The following is an entry in ClinVar:

NM_145059.3(FCSK):c.4G>A (p.Glu2Lys)

Gene: FCSK (fucose kinase; plus strand). Cytogenetic location: 16q22.1.
Variant type: single nucleotide variant.
Coding change: c.4G>A on transcript NM_145059.3 (MANE Select); coding-DNA position 4, G replaced by A.
Protein change: p.Glu2Lys; replaces glutamic acid 2 with lysine.
Molecular consequence: missense variant.
Genome position (GRCh38, 1-based): chr16:70,463,194, G>A. VCF-style: chr16-70463194-G-A. GRCh37 (hg19) VCF-style: chr16-70497097-G-A.
Other names: short protein forms E2K.
Identifiers: ClinVar variation 1932618 (VCV001932618.5), dbSNP rs1040737872, ClinGen allele CA283459340.

ClinVar aggregate classification (germline): Uncertain significance (1 of 4 stars; one submission).

Allele frequency attached by ClinVar (database versions not stated): gnomAD 0.00001; gnomAD exomes 0.00001; TOPMed 0.00003.
gnomAD v4.1: 7 of 1,613,820 alleles (0.00043%); highest among the groups gnomAD compares: African/African-American, 0.004%; no homozygotes.

Submission:

Labcorp Genetics (formerly Invitae), Labcorp
Classification: Uncertain significance. Last evaluated: 2024-08-19. Review status: criteria provided, single submitter. Criteria: Invitae Variant Classification Sherloc (09022015). Collection method: clinical testing. Allele origin: germline.
Comment: This sequence change replaces glutamic acid, which is acidic and polar, with lysine, which is basic and polar, at codon 2 of the FUK protein (p.Glu2Lys). This variant is present in population databases (no rsID available, gnomAD 0.007%). This variant has not been reported in the literature in individuals affected with FUK-related conditions. ClinVar contains an entry for this variant (Variation ID: 1932618). An algorithm developed to predict the effect of missense changes on protein structure and function (PolyPhen-2) suggests that this variant is likely to be tolerated. In summary, the available evidence is currently insufficient to determine the role of this variant in disease. Therefore, it has been classified as a Variant of Uncertain Significance.